The following is an entry in ClinVar:

NM_017841.4(SDHAF2):c.10T>G (p.Ser4Ala)

Gene: SDHAF2 (succinate dehydrogenase complex assembly factor 2; plus strand). Cytogenetic location: 11q12.2.
Variant type: single nucleotide variant.
Coding change: c.10T>G on transcript NM_017841.4 (MANE Select); coding-DNA position 10, T replaced by G.
Protein change: p.Ser4Ala; replaces serine 4 with alanine.
Molecular consequence: missense variant.
Genome position (GRCh38, 1-based): chr11:61,430,156, T>G. VCF-style: chr11-61430156-T-G. GRCh37 (hg19) VCF-style: chr11-61197628-T-G.
Other names: c.10T>G (NM_017841.2); short protein forms S4A.
Identifiers: ClinVar variation 1044704 (VCV001044704.9), dbSNP rs1205348193, ClinGen allele CA380680124.
Genomic context (GRCh38, chr11:61,430,156, plus strand): 5'-AGGAGTTCCCGGAAGTGCCCGCGCAGCCGGTTTCCGGTGCAGGTGGGGAAAATGGCGGTG[T>G]CTACAGTGTTCTCGACTTCGTCGCTGGTGAGGAGAGAGAACGTTCTAGCGTCCGGGGCGG-3'
Protein context (NP_060311.1, residues 1-14): MAV[Ser4Ala]TVFSTSSLML

ClinVar aggregate classification (germline): Conflicting classifications of pathogenicity. Review status: criteria provided, conflicting classifications (1 of 4 stars). 2 submissions from 2 submitters: Uncertain significance (1); Likely benign (1). Last evaluated 2026-07-06.

Conditions:
Hereditary pheochromocytoma and paraganglioma. Also called: Hereditary paragangliomas and pheochromocytomas; Hereditary Paraganglioma-Pheochromocytoma Syndromes; Hereditary pheochromocytoma-paraganglioma. Identifiers: Orphanet 29072, MedGen C4274332, MONDO:0017366.
Hereditary cancer-predisposing syndrome. Also called: Tumor predisposition; Hereditary Cancer Syndrome; Hereditary neoplastic syndrome; Neoplastic Syndromes, Hereditary. Identifiers: Orphanet 140162, MedGen C0027672, MeSH D009386, MONDO:0015356.

Allele frequency attached by ClinVar (database versions not stated): TOPMed below 0.00001.

Submissions (2):

Ambry Genetics
Classification: Likely benign for Hereditary cancer-predisposing syndrome. Last evaluated: 2026-07-06. Review status: criteria provided, single submitter. Criteria: Ambry Variant Classification Scheme 2023. Collection method: clinical testing. Allele origin: germline.

Labcorp Genetics (formerly Invitae), Labcorp
Classification: Uncertain significance for Hereditary pheochromocytoma and paraganglioma. Last evaluated: 2020-07-29. Review status: criteria provided, single submitter. Criteria: Invitae Variant Classification Sherloc (09022015). Collection method: clinical testing. Allele origin: germline.
Comment: In summary, the available evidence is currently insufficient to determine the role of this variant in disease. Therefore, it has been classified as a Variant of Uncertain Significance. Algorithms developed to predict the effect of missense changes on protein structure and function output the following: SIFT: "Tolerated"; PolyPhen-2: "Benign"; Align-GVGD: "Class C0". The alanine amino acid residue is found in multiple mammalian species, suggesting that this missense change does not adversely affect protein function. These predictions have not been confirmed by published functional studies and their clinical significance is uncertain. This variant has not been reported in the literature in individuals with SDHAF2-related conditions. This variant is not present in population databases (ExAC no frequency). This sequence change replaces serine with alanine at codon 4 of the SDHAF2 protein (p.Ser4Ala). The serine residue is weakly conserved and there is a moderate physicochemical difference between serine and alanine.